The following is an entry in ClinVar:

ClinVar aggregate classification (germline): Uncertain significance (1 of 4 stars; one submission).

Allele frequency attached by ClinVar (database versions not stated): gnomAD exomes 0.00002 and 0.00003; TOPMed 0.00002; ExAC 0.00003; gnomAD 0.00004 and 0.00005; 1000 Genomes Project 30x 0.00016; 1000 Genomes Project 0.00020.
gnomAD v4.1: 33 of 1,605,892 alleles (0.0021%); highest among the groups gnomAD compares: Middle Eastern, 0.067%; no homozygotes.

Submission:

Labcorp Genetics (formerly Invitae), Labcorp
Classification: Uncertain significance. Last evaluated: 2022-06-14. Review status: criteria provided, single submitter. Criteria: Invitae Variant Classification Sherloc (09022015). Collection method: clinical testing. Allele origin: germline.
Comment: This sequence change replaces threonine, which is neutral and polar, with methionine, which is neutral and non-polar, at codon 163 of the SLC24A5 protein (p.Thr163Met). This variant is present in population databases (rs553496066, gnomAD 0.03%). This variant has not been reported in the literature in individuals affected with SLC24A5-related conditions. Algorithms developed to predict the effect of missense changes on protein structure and function output the following: SIFT: "Tolerated"; PolyPhen-2: "Benign"; Align-GVGD: "Class C0". The methionine amino acid residue is found in multiple mammalian species, which suggests that this missense change does not adversely affect protein function. Algorithms developed to predict the effect of sequence changes on RNA splicing suggest that this variant may disrupt the consensus splice site. In summary, the available evidence is currently insufficient to determine the role of this variant in disease. Therefore, it has been classified as a Variant of Uncertain Significance.

NM_205850.3(SLC24A5):c.488C>T (p.Thr163Met)

Gene: SLC24A5 (solute carrier family 24 member 5; plus strand). Cytogenetic location: 15q21.1.
Variant type: single nucleotide variant.
Coding change: c.488C>T on transcript NM_205850.3 (MANE Select); coding-DNA position 488, C replaced by T.
Protein change: p.Thr163Met; replaces threonine 163 with methionine.
Molecular consequence: missense variant.
Genome position (GRCh38, 1-based): chr15:48,134,537, C>T. VCF-style: chr15-48134537-C-T. GRCh37 (hg19) VCF-style: chr15-48426734-C-T.
Other names: short protein forms T163M.
Identifiers: ClinVar variation 1354278 (VCV001354278.3), dbSNP rs553496066, ClinGen allele CA7545882.